The following is an entry in ClinVar:

ClinVar aggregate classification (germline): Uncertain significance (1 of 4 stars; one submission).

Conditions:
EGFR-related lung cancer (EGFR). Identifiers: MedGen CN130014.

Submission:

Labcorp Genetics (formerly Invitae), Labcorp
Classification: Uncertain significance for EGFR-related lung cancer. Last evaluated: 2022-06-22. Review status: criteria provided, single submitter. Criteria: Invitae Variant Classification Sherloc (09022015). Collection method: clinical testing. Allele origin: germline.
Comment: This variant has not been reported in the literature in individuals affected with EGFR-related conditions. This variant is not present in population databases (gnomAD no frequency). This sequence change replaces aspartic acid, which is acidic and polar, with tyrosine, which is neutral and polar, at codon 800 of the EGFR protein (p.Asp800Tyr). In summary, the available evidence is currently insufficient to determine the role of this variant in disease. Therefore, it has been classified as a Variant of Uncertain Significance. Algorithms developed to predict the effect of missense changes on protein structure and function are either unavailable or do not agree on the potential impact of this missense change (SIFT: "Deleterious"; PolyPhen-2: "Probably Damaging"; Align-GVGD: "Class C15"). ClinVar contains an entry for this variant (Variation ID: 969899).

NM_005228.5(EGFR):c.2398G>T (p.Asp800Tyr)

Genes: EGFR-AS1 (EGFR antisense RNA 1; minus strand), EGFR (epidermal growth factor receptor; plus strand). Cytogenetic location: 7p11.2.
Variant type: single nucleotide variant.
Coding change: c.2398G>T on transcript NM_005228.5 (MANE Select); coding-DNA position 2398, G replaced by T.
Protein change: p.Asp800Tyr; replaces aspartic acid 800 with tyrosine.
Molecular consequence: missense variant. On other transcripts: non-coding transcript variant (1).
Genome position (GRCh38, 1-based): chr7:55,181,407, G>T. VCF-style: chr7-55181407-G-T. GRCh37 (hg19) VCF-style: chr7-55249100-G-T.
Other names: c.2263G>T, p.Asp755Tyr (NM_001346897.2, NM_001346899.2); c.2398G>T, p.Asp800Tyr (NM_001346898.2); c.2239G>T, p.Asp747Tyr (NM_001346900.2); c.1597G>T, p.Asp533Tyr (NM_001346941.2); short protein forms D533Y, D800Y, D747Y, D755Y.
Identifiers: ClinVar variation 969899 (VCV000969899.10), dbSNP rs1786868752, ClinGen allele CA367578914.